The following is an entry in ClinVar:

ClinVar aggregate classification (germline): Pathogenic (1 of 4 stars; one submission).

Submission:

Labcorp Genetics (formerly Invitae), Labcorp
Classification: Pathogenic. Last evaluated: 2024-01-12. Review status: criteria provided, single submitter. Criteria: Invitae Variant Classification Sherloc (09022015). Collection method: clinical testing. Allele origin: germline.
Comment: This sequence change creates a premature translational stop signal (p.Gln2628Profs*52) in the SZT2 gene. It is expected to result in an absent or disrupted protein product. Loss-of-function variants in SZT2 are known to be pathogenic (PMID: 23932106, 27248490, 28556953). This variant is not present in population databases (gnomAD no frequency). This variant has not been reported in the literature in individuals affected with SZT2-related conditions. For these reasons, this variant has been classified as Pathogenic.

Literature cited by the submitters: PubMed 23932106; PubMed 27248490; PubMed 28556953.

NM_001365999.1(SZT2):c.8054_8066del (p.Gln2685fs)

Gene: SZT2 (SZT2 subunit of KICSTOR complex; plus strand). Cytogenetic location: 1p34.2.
Variant type: Deletion.
Coding change: c.8054_8066del on transcript NM_001365999.1 (MANE Select); coding-DNA positions 8054 to 8066, 13 bases deleted (AGAATGCACGAGC).
Protein change: p.Gln2685fs; shifts the reading frame from glutamine 2685.
Molecular consequence: frameshift variant.
Genome position (GRCh38, 1-based): chr1:43,442,521-43,442,533, AGAATGCACGAGC deleted; deleting any 13 consecutive bases within chr1:43,442,519-43,442,533 gives the same sequence; the c. name uses the placement nearest the transcript's 3' end. VCF-style (leftmost placement, unchanged base first): chr1-43442518-GGCAGAATGCACGA-G. GRCh37 (hg19) VCF-style: chr1-43908189-GGCAGAATGCACGA-G.
Other names: c.7883_7895del, p.Gln2628fs (NM_015284.4); short protein forms Q2628fs, Q2685fs.
Identifiers: ClinVar variation 2709120 (VCV002709120.3), dbSNP rs2545853590, ClinGen allele CA2697552372.